The following is an entry in ClinVar:

ClinVar aggregate classification (germline): Likely benign. Review status: criteria provided, multiple submitters, no conflicts (2 of 4 stars). 3 submissions from 3 submitters: Likely benign (3). Last evaluated 2025-08-31.

Conditions:
Primary ciliary dyskinesia. Also called: Ciliary dyskinesia. Identifiers: Orphanet 244, MedGen C0008780, MONDO:0016575, HP:0012265.

Allele frequency attached by ClinVar (database versions not stated): gnomAD exomes 0.00004 and 0.00009; ExAC 0.00010; gnomAD 0.00011 and 0.00012; TOPMed 0.00013; ESP Exome Variant Server 0.00017.
gnomAD v4.1: 80 of 1,613,054 alleles (0.005%); highest among the groups gnomAD compares: African/African-American, 0.027%; no homozygotes.

Submissions (3):

Labcorp Genetics (formerly Invitae), Labcorp
Classification: Likely benign for Primary ciliary dyskinesia. Last evaluated: 2025-08-31. Review status: criteria provided, single submitter. Criteria: Invitae Variant Classification Sherloc (09022015). Collection method: clinical testing. Allele origin: germline.

CeGaT Center for Human Genetics Tuebingen
Classification: Likely benign. Last evaluated: 2023-10-01. Review status: criteria provided, single submitter. Criteria: CeGaT Center For Human Genetics Tuebingen Variant Classification Criteria Version 2. Collection method: clinical testing. Allele origin: germline. Affected: yes. Observed: 1 variant allele.
Comment: DNAH11: BP4, BP7

Ambry Genetics
Classification: Likely benign for Primary ciliary dyskinesia. Last evaluated: 2014-09-22. Review status: criteria provided, single submitter. Criteria: Ambry Variant Classification Scheme 2023. Collection method: clinical testing. Allele origin: germline.

NM_001277115.2(DNAH11):c.2826G>A (p.Pro942=)

Gene: DNAH11 (dynein axonemal heavy chain 11; plus strand). Cytogenetic location: 7p15.3.
Variant type: single nucleotide variant.
Coding change: c.2826G>A on transcript NM_001277115.2 (MANE Select); coding-DNA position 2826, G replaced by A.
Protein change: p.Pro942=; no amino-acid change (proline 942 retained).
Molecular consequence: synonymous variant.
Genome position (GRCh38, 1-based): chr7:21,599,945, G>A. VCF-style: chr7-21599945-G-A. GRCh37 (hg19) VCF-style: chr7-21639563-G-A.
Other names: c.2826G>A (NM_003777.3).
Identifiers: ClinVar variation 1081146 (VCV001081146.35), dbSNP rs368794820, ClinGen allele CA4179447.
Genomic context (GRCh38, chr7:21,599,945, plus strand): 5'-TATAATGCACGACTTAGACTTCTTTCTGAAGAATACAGAGAAACAATTGAAACCGGCACC[G>A]TTTTTTCAAGCACAAATGATCTTGTTGCCTCCTGAGATTGTGTTTAAACCTTCCCTAGAC-3'
Protein context (NP_001264044.1, residues 932-952): KNTEKQLKPA[Pro942=]FFQAQMILLP